The following is an entry in ClinVar:

ClinVar aggregate classification (germline): Uncertain significance (0 of 4 stars; one submission).

Conditions:
CHMP4B-related disorder. Also called: CHMP4B-related condition.

Submission:

PreventionGenetics, part of Exact Sciences
Classification: Uncertain significance for CHMP4B-related condition. Last evaluated: 2023-12-21. Review status: no assertion criteria provided. Collection method: clinical testing. Allele origin: germline.
Comment: The CHMP4B c.508G>T variant is predicted to result in premature protein termination (p.Glu170*). To our knowledge, this variant has not been reported in the literature or in a large population database, indicating this variant is rare. Based on gnomAD gene constraint metrics, the CHMP4B gene is intolerant of loss of function variants. However, loss of function has not been documented as a mechanism of CHMP4B-related disease (Human Gene Mutation Database). Although we suspect that this variant may be pathogenic, at this time, the clinical significance of this variant is uncertain due to the absence of conclusive functional and genetic evidence.

NM_176812.5(CHMP4B):c.508G>T (p.Glu170Ter)

Gene: CHMP4B (charged multivesicular body protein 4B; plus strand). Cytogenetic location: 20q11.22.
Variant type: single nucleotide variant.
Coding change: c.508G>T on transcript NM_176812.5 (MANE Select); coding-DNA position 508, G replaced by T.
Protein change: p.Glu170Ter; replaces glutamic acid 170 with a stop codon.
Molecular consequence: nonsense.
Genome position (GRCh38, 1-based): chr20:33,852,101, G>T. VCF-style: chr20-33852101-G-T. GRCh37 (hg19) VCF-style: chr20-32439907-G-T.
Other names: short protein forms E170*.
Identifiers: ClinVar variation 3032000 (VCV003032000.2), dbSNP rs2515545459, ClinGen allele CA408920724.
Genomic context (GRCh38, chr20:33,852,101, plus strand): 5'-CAGGGAGGGCGCTCACTTTGTGTTTCCTTTTACTAGGATGAGCTCATGGCGGAATTAGAA[G>T]AACTAGAACAGGAGGAACTAGACAAGAATTTGCTGGAAATCAGTGGACCCGAAACAGTCC-3'